The following is an entry in ClinVar:

ClinVar aggregate classification (germline): Conflicting classifications of pathogenicity. Review status: criteria provided, conflicting classifications (1 of 4 stars). 2 submissions from 2 submitters: Uncertain significance (1); Likely benign (1). Last evaluated 2024-11-30.

Conditions:
FG syndrome (FGS). Identifiers: MedGen C0220769, MONDO:0002010.

Submissions (2):

Labcorp Genetics (formerly Invitae), Labcorp
Classification: Uncertain significance for FG syndrome. Last evaluated: 2024-11-30. Review status: criteria provided, single submitter. Criteria: Invitae Variant Classification Sherloc (09022015). Collection method: clinical testing. Allele origin: germline.
Comment: This variant, c.6183_6188del, results in the deletion of 2 amino acid(s) of the MED12 protein (p.Gln2075_Gln2076del), but otherwise preserves the integrity of the reading frame. The frequency data for this variant in the population databases is considered unreliable, as metrics indicate poor data quality at this position in the gnomAD database. This variant has not been reported in the literature in individuals affected with MED12-related conditions. Experimental studies and prediction algorithms are not available or were not evaluated, and the functional significance of this variant is currently unknown. In summary, the available evidence is currently insufficient to determine the role of this variant in disease. Therefore, it has been classified as a Variant of Uncertain Significance.

GeneDx
Classification: Likely benign. Last evaluated: 2018-04-10. Review status: criteria provided, single submitter. Criteria: GeneDx Variant Classification (06012015). Collection method: clinical testing. Allele origin: germline. Affected: yes.
Comment: This variant is considered likely benign or benign based on one or more of the following criteria: it is a conservative change, it occurs at a poorly conserved position in the protein, it is predicted to be benign by multiple in silico algorithms, and/or has population frequency not consistent with disease.

NM_005120.3(MED12):c.6177ACAGCA[1] (p.Gln2075_Gln2076del)

Gene: MED12 (mediator complex subunit 12; plus strand). Cytogenetic location: Xq13.1.
Variant type: Microsatellite.
Coding change: c.6177ACAGCA[1] on transcript NM_005120.3 (MANE Select); one copy of the 6-base unit ACAGCA starting at c.6177; the reference has two copies in a row; one copy, 6 bases deleted.
Protein change: p.Gln2075_Gln2076del.
Molecular consequence: inframe deletion.
Genome position (GRCh38, 1-based): chrX:71,140,773-71,140,778, ACAGCA deleted; deleting any 6 consecutive bases within chrX:71,140,762-71,140,778 gives the same sequence; the position shown is the placement nearest the transcript's 3' end. VCF-style (leftmost placement, unchanged base first): chrX-71140761-GCAGCAA-G. GRCh37 (hg19) VCF-style: chrX-70360611-GCAGCAA-G.
Identifiers: ClinVar variation 682014 (VCV000682014.10), dbSNP rs753370104, ClinGen allele CA10444888.